The following is an entry in ClinVar:

NM_152383.5(DIS3L2):c.2491C>G (p.Gln831Glu)

Gene: DIS3L2 (DIS3 like 3'-5' exoribonuclease 2; plus strand). Cytogenetic location: 2q37.1.
Variant type: single nucleotide variant.
Coding change: c.2491C>G on transcript NM_152383.5 (MANE Select); coding-DNA position 2491, C replaced by G.
Protein change: p.Gln831Glu; replaces glutamine 831 with glutamic acid.
Molecular consequence: missense variant. On other transcripts: non-coding transcript variant (2), intron variant (1).
Genome position (GRCh38, 1-based): chr2:232,335,869, C>G. VCF-style: chr2-232335869-C-G. GRCh37 (hg19) VCF-style: chr2-233200579-C-G.
Other names: c.1582-7476C>G (NM_001257281.2); short protein forms Q831E.
Identifiers: ClinVar variation 1508892 (VCV001508892.8), dbSNP rs2106356428, ClinGen allele CA350978347.

ClinVar aggregate classification (germline): Uncertain significance (1 of 4 stars; one submission).

Conditions:
Perlman syndrome (PRLMNS). Identifiers: Orphanet 2849, MedGen C0796113, MONDO:0009965, OMIM 267000.

Allele frequency attached by ClinVar (database versions not stated): gnomAD exomes below 0.00001.
gnomAD v4.1: 1 of 1,550,602 alleles (0.000064%); highest among the groups gnomAD compares: Non-Finnish European, 0.000087%; no homozygotes.

Submission:

Labcorp Genetics (formerly Invitae), Labcorp
Classification: Uncertain significance for Perlman syndrome. Last evaluated: 2022-07-12. Review status: criteria provided, single submitter. Criteria: Invitae Variant Classification Sherloc (09022015). Collection method: clinical testing. Allele origin: germline.
Comment: This sequence change replaces glutamine, which is neutral and polar, with glutamic acid, which is acidic and polar, at codon 831 of the DIS3L2 protein (p.Gln831Glu). This variant is not present in population databases (gnomAD no frequency). This variant has not been reported in the literature in individuals affected with DIS3L2-related conditions. ClinVar contains an entry for this variant (Variation ID: 1508892). Algorithms developed to predict the effect of missense changes on protein structure and function (SIFT, PolyPhen-2, Align-GVGD) all suggest that this variant is likely to be tolerated. In summary, the available evidence is currently insufficient to determine the role of this variant in disease. Therefore, it has been classified as a Variant of Uncertain Significance.